The following is an entry in ClinVar:

NM_018075.5(ANO10):c.432_439del (p.Gly145fs)

Gene: ANO10 (anoctamin 10; minus strand). Cytogenetic location: 3p22.1.
Variant type: Deletion.
Coding change: c.432_439del on transcript NM_018075.5 (MANE Select); coding-DNA positions 432 to 439, 8 bases deleted (TGGTTACC; older notation c.432_439delTGGTTACC).
Protein change: p.Gly145fs; shifts the reading frame from glycine 145.
Molecular consequence: frameshift variant. On other transcripts: intron variant (1).
Genome position (GRCh38, 1-based): chr3:43,598,565-43,598,572, GGTAACCA deleted on the plus strand (TGGTTACC on the coding strand, the reverse complement: ANO10 is on the minus strand); deleting any 8 consecutive bases within chr3:43,598,565-43,598,574 gives the same sequence; the c. name uses the placement nearest the transcript's 3' end. VCF-style (leftmost placement, unchanged base first): chr3-43598564-GGGTAACCA-G. GRCh37 (hg19) VCF-style: chr3-43640056-GGGTAACCA-G.
Other names: c.234_241del, p.Gly79fs (NM_001346469.2, NM_001204832.3, NM_001346466.2); c.139+7142_139+7149del (NM_001204833.3); c.432_439del, p.Gly145fs (NM_001204831.3, NM_001204834.3, NM_001346463.2 and 4 more transcripts); short protein forms G145fs, G79fs.
Identifiers: ClinVar variation 2867864 (VCV002867864.3), dbSNP rs2529752808, ClinGen allele CA2739279913.

ClinVar aggregate classification (germline): Pathogenic (1 of 4 stars; one submission).

Submission:

Labcorp Genetics (formerly Invitae), Labcorp
Classification: Pathogenic. Last evaluated: 2023-12-10. Review status: criteria provided, single submitter. Criteria: Invitae Variant Classification Sherloc (09022015). Collection method: clinical testing. Allele origin: germline.
Comment: This sequence change creates a premature translational stop signal (p.Gly145Serfs*28) in the ANO10 gene. It is expected to result in an absent or disrupted protein product. Loss-of-function variants in ANO10 are known to be pathogenic (PMID: 25089919). This variant is not present in population databases (gnomAD no frequency). This variant has not been reported in the literature in individuals affected with ANO10-related conditions. For these reasons, this variant has been classified as Pathogenic.

Literature cited by the submitters: PubMed 25089919.